The following is an entry in ClinVar:

NM_001379286.1(ZNF423):c.1326G>A (p.Ala442=)

Gene: ZNF423 (zinc finger protein 423; minus strand). Cytogenetic location: 16q12.1.
Variant type: single nucleotide variant.
Coding change: c.1326G>A on transcript NM_001379286.1 (MANE Select); coding-DNA position 1326, G replaced by A.
Protein change: p.Ala442=; no amino-acid change (alanine 442 retained).
Molecular consequence: synonymous variant.
Genome position (GRCh38, 1-based): chr16:49,637,850, C>T on the plus strand (G>A on the coding strand, the complement: ZNF423 is on the minus strand). VCF-style: chr16-49637850-C-T. GRCh37 (hg19) VCF-style: chr16-49671761-C-T.
Other names: p.Ala434=; c.1122G>A, p.Ala374= (NM_001271620.2); c.951G>A, p.Ala317= (NM_001330533.2); c.1302G>A, p.Ala434= (NM_015069.5); c.1302G>A (NM_015069.4).
Identifiers: ClinVar variation 540275 (VCV000540275.26), dbSNP rs16947743, ClinGen allele CA8046702.

ClinVar aggregate classification (germline): Benign/Likely benign. Review status: criteria provided, multiple submitters, no conflicts (2 of 4 stars). 8 submissions from 8 submitters: Benign (2); Likely benign (3). 3 of the submissions do not count toward it. Last evaluated 2025-12-22.

Conditions:
ZNF423-related disorder. Also called: ZNF423-related condition.
Nephronophthisis 14 (NPHP14). Identifiers: Orphanet 2318, MedGen C3539071, MONDO:0013916, OMIM 614844.

Allele frequency attached by ClinVar (database versions not stated): TOPMed 0.00200; 1000 Genomes Project 0.00240; 1000 Genomes Project 30x 0.00250; gnomAD exomes 0.00049; ExAC 0.00055; ESP Exome Variant Server 0.00108; gnomAD 0.00160 and 0.00172.
gnomAD v4.1: 605 of 1,614,126 alleles (0.037%); highest among the groups gnomAD compares: African/African-American, 0.56%; 2 homozygotes.

Submissions (8):

Labcorp Genetics (formerly Invitae), Labcorp
Classification: Benign for Nephronophthisis 14. Last evaluated: 2025-12-22. Review status: criteria provided, single submitter. Criteria: Invitae Variant Classification Sherloc (09022015). Collection method: clinical testing. Allele origin: germline.

CeGaT Center for Human Genetics Tuebingen
Classification: Likely benign. Last evaluated: 2025-09-01. Review status: criteria provided, single submitter. Criteria: CeGaT Center For Human Genetics Tuebingen Variant Classification Criteria Version 2. Collection method: clinical testing. Allele origin: germline. Affected: yes. Observed: 1 variant allele.
Comment: ZNF423: BP4, BP7

Mayo Clinic Laboratories, Mayo Clinic
Classification: Likely benign. Last evaluated: 2025-02-20. Review status: criteria provided, single submitter. Criteria: ACMG Guidelines, 2015. Collection method: clinical testing. Allele origin: germline. Observed: 1 variant allele.
Comment: BS1, BP4, BP7

Blueprint Genetics
Classification: Likely benign. Last evaluated: 2024-11-27. Review status: criteria provided, single submitter. Criteria: ACMG Guidelines, 2015. Collection method: clinical testing. Allele origin: germline.

Breakthrough Genomics
Classification: Benign. Review status: criteria provided, single submitter. Criteria: ACMG Guidelines, 2015. Collection method: not provided. Allele origin: germline. Inheritance: Autosomal dominant inheritance. Affected: yes.

PreventionGenetics, part of Exact Sciences
Classification: Likely benign for ZNF423-related condition. Last evaluated: 2019-03-26. Review status: no assertion criteria provided. Collection method: clinical testing. Allele origin: germline. Not counted in ClinVar's aggregate classification.
Comment: This variant is classified as likely benign based on ACMG/AMP sequence variant interpretation guidelines (Richards et al. 2015 PMID: 25741868, with internal and published modifications).

Clinical Genetics DNA and cytogenetics Diagnostics Lab, Erasmus MC, Erasmus Medical Center
Classification: Likely benign. Review status: no assertion criteria provided. Collection method: clinical testing. Allele origin: germline. Affected: yes. Study: VKGL Data-share Consensus. Not counted in ClinVar's aggregate classification.

Clinical Genetics, Academic Medical Center
Classification: Likely benign. Review status: no assertion criteria provided. Collection method: clinical testing. Allele origin: germline. Affected: yes. Study: VKGL Data-share Consensus. Not counted in ClinVar's aggregate classification.